The following is an entry in ClinVar:

NM_001009944.3(PKD1):c.5553_5557del (p.Val1852fs)

Gene: PKD1 (polycystin 1, transient receptor potential channel interacting; minus strand). Cytogenetic location: 16p13.3.
Variant type: Deletion.
Coding change: c.5553_5557del on transcript NM_001009944.3 (MANE Select); coding-DNA positions 5553 to 5557, 5 bases deleted (TGTCA; older notation c.5553_5557delTGTCA).
Protein change: p.Val1852fs; shifts the reading frame from valine 1852.
Molecular consequence: frameshift variant.
Genome position (GRCh38, 1-based): chr16:2,109,610-2,109,614, TGACA deleted on the plus strand (TGTCA on the coding strand, the reverse complement: PKD1 is on the minus strand); deleting any 5 consecutive bases within chr16:2,109,610-2,109,617 gives the same sequence; the c. name uses the placement nearest the transcript's 3' end. VCF-style (leftmost placement, unchanged base first): chr16-2109609-GTGACA-G. GRCh37 (hg19) VCF-style: chr16-2159610-GTGACA-G.
Other names: c.5553_5557del, p.Val1852fs (NM_000296.4); c.5553_5557del5 (NM_001009944.2); short protein forms V1852fs.
Identifiers: ClinVar variation 3046157 (VCV003046157.3), dbSNP rs2544811526, ClinGen allele CA2740096851.

ClinVar aggregate classification (germline): Pathogenic (1 of 4 stars; one submission).

Conditions:
PKD1-related disorder. Also called: PKD1-related condition.

Submission:

PreventionGenetics, part of Exact Sciences
Classification: Pathogenic for PKD1-related condition. Last evaluated: 2025-06-25. Review status: criteria provided, single submitter. Criteria: ACMG Guidelines, 2015. Collection method: clinical testing. Allele origin: germline.
Comment: The PKD1 c.5553_5557del5 variant is predicted to result in a frameshift and premature protein termination (p.Val1852Hisfs*136). To our knowledge, this variant has not been reported in the literature or in a large population database (gnomAD), indicating this variant is rare. Frameshift variants in PKD1 are expected to be pathogenic. This variant is interpreted as pathogenic.